The following is an entry in ClinVar:

NM_001367624.2(ZNF469):c.9818C>T (p.Pro3273Leu)

Gene: ZNF469 (zinc finger protein 469; plus strand). Cytogenetic location: 16q24.2.
Variant type: single nucleotide variant.
Coding change: c.9818C>T on transcript NM_001367624.2 (MANE Select); coding-DNA position 9818, C replaced by T.
Protein change: p.Pro3273Leu; replaces proline 3273 with leucine.
Molecular consequence: missense variant.
Genome position (GRCh38, 1-based): chr16:88,437,288, C>T. VCF-style: chr16-88437288-C-T. GRCh37 (hg19) VCF-style: chr16-88503696-C-T.
Other names: NM_001127464.1:c.9734C>T; short protein forms P3273L.
Identifiers: ClinVar variation 3987341 (VCV003987341.1).

ClinVar aggregate classification (germline): Uncertain significance (1 of 4 stars; one submission).

Conditions:
Cardiovascular phenotype. Identifiers: MedGen CN230736.

gnomAD v4.1: 3 of 1,547,680 alleles (0.00019%); highest among the groups gnomAD compares: African/African-American, 0.0014%; no homozygotes.

Submission:

Ambry Genetics
Classification: Uncertain significance for Cardiovascular phenotype. Last evaluated: 2025-05-08. Review status: criteria provided, single submitter. Criteria: Ambry Variant Classification Scheme 2023. Collection method: clinical testing. Allele origin: germline.
Comment: The p.P3245L variant (also known as c.9734C>T), located in coding exon 2 of the ZNF469 gene, results from a C to T substitution at nucleotide position 9734. The proline at codon 3245 is replaced by leucine, an amino acid with similar properties. This amino acid position is conserved. In addition, this alteration is predicted to be tolerated by in silico analysis. Based on the available evidence, the clinical significance of this variant remains unclear.